The following is an entry in ClinVar:

ClinVar aggregate classification (germline): Uncertain significance (1 of 4 stars; one submission).

Submission:

GeneDx
Classification: Uncertain significance. Last evaluated: 2023-10-20. Review status: criteria provided, single submitter. Criteria: GeneDx Variant Classification Process June 2021. Collection method: clinical testing. Allele origin: germline. Affected: yes.
Comment: Not observed at significant frequency in large population cohorts (gnomAD); In silico analysis supports that this missense variant has a deleterious effect on protein structure/function; Has not been previously published as pathogenic or benign to our knowledge

NM_001395159.1(UNC79):c.4379G>T (p.Cys1460Phe)

Gene: UNC79 (unc-79 homolog, NALCN channel complex subunit; plus strand). Cytogenetic location: 14q32.12.
Variant type: single nucleotide variant.
Coding change: c.4379G>T on transcript NM_001395159.1 (MANE Select); coding-DNA position 4379, G replaced by T.
Protein change: p.Cys1460Phe; replaces cysteine 1460 with phenylalanine.
Molecular consequence: missense variant.
Genome position (GRCh38, 1-based): chr14:93,618,280, G>T. VCF-style: chr14-93618280-G-T. GRCh37 (hg19) VCF-style: chr14-94084626-G-T.
Other names: c.4313G>T, p.Cys1438Phe (NM_001346218.2); c.3782G>T, p.Cys1261Phe (NM_020818.5); short protein forms C1261F, C1438F, C1460F.
Identifiers: ClinVar variation 3366136 (VCV003366136.1).
Genomic context (GRCh38, chr14:93,618,280, plus strand): 5'-AGATCCTGCTGCATCTGATTCACATAACAGTCAATACACTCAATGCGCAGTATCATAGCT[G>T]CAAGCCCCATGCCACGGCAGGACCTTTGTACAGTGACAACAGTAACATAAGCAGATACAG-3'
Protein context (NP_001382088.1, residues 1450-1470): VNTLNAQYHS[Cys1460Phe]KPHATAGPLY